The following is an entry in ClinVar:

ClinVar aggregate classification (germline): Uncertain significance (1 of 4 stars; one submission).

Conditions:
Neurodegeneration with brain iron accumulation 5 (NBIA5). Also called: STATIC ENCEPHALOPATHY OF CHILDHOOD WITH NEURODEGENERATION IN ADULTHOOD; Beta-propeller protein-associated neurodegeneration. Identifiers: Orphanet 329284, MedGen C3550973, MONDO:0010476, OMIM 300894.

gnomAD v4.1: 3 of 1,212,022 alleles (0.00025%); highest among the groups gnomAD compares: Non-Finnish European, 0.00033%; no homozygotes.

Submission:

Labcorp Genetics (formerly Invitae), Labcorp
Classification: Uncertain significance for Neurodegeneration with brain iron accumulation 5. Last evaluated: 2026-01-14. Review status: criteria provided, single submitter. Criteria: Invitae Variant Classification Sherloc (09022015). Collection method: clinical testing. Allele origin: germline.
Comment: This sequence change replaces arginine, which is basic and polar, with histidine, which is basic and polar, at codon 123 of the WDR45 protein (p.Arg123His). This variant is not present in population databases (gnomAD no frequency). This variant has not been reported in the literature in individuals affected with WDR45-related conditions. Invitae Evidence Modeling of protein sequence and biophysical properties (such as structural, functional, and spatial information, amino acid conservation, physicochemical variation, residue mobility, and thermodynamic stability) indicates that this missense variant is not expected to disrupt WDR45 protein function with a negative predictive value of 80%. In summary, the available evidence is currently insufficient to determine the role of this variant in disease. Therefore, it has been classified as a Variant of Uncertain Significance.

NM_001029896.2(WDR45):c.365G>A (p.Arg122His)

Gene: WDR45 (WD repeat domain 45; minus strand). Cytogenetic location: Xp11.23.
Variant type: single nucleotide variant.
Coding change: c.365G>A on transcript NM_001029896.2 (MANE Select); coding-DNA position 365, G replaced by A.
Protein change: p.Arg122His; replaces arginine 122 with histidine.
Molecular consequence: missense variant.
Genome position (GRCh38, 1-based): chrX:49,076,501, C>T on the plus strand (G>A on the coding strand, the complement: WDR45 is on the minus strand). VCF-style: chrX-49076501-C-T. GRCh37 (hg19) VCF-style: chrX-48934160-C-T.
Other names: c.368G>A, p.Arg123His (NM_007075.4); short protein forms R123H, R122H.
Identifiers: ClinVar variation 4768250 (VCV004768250.1).